The following is an entry in ClinVar:

ClinVar aggregate classification (germline): Uncertain significance (1 of 4 stars; one submission).

Conditions:
Hereditary cancer-predisposing syndrome. Also called: Neoplastic Syndromes, Hereditary; Hereditary Cancer Syndrome; Tumor predisposition; Hereditary neoplastic syndrome. Identifiers: Orphanet 140162, MedGen C0027672, MeSH D009386, MONDO:0015356.

Submission:

Ambry Genetics
Classification: Uncertain significance for Hereditary cancer-predisposing syndrome. Last evaluated: 2022-11-21. Review status: criteria provided, single submitter. Criteria: Ambry Variant Classification Scheme 2023. Collection method: clinical testing. Allele origin: germline.
Comment: The p.Q844K variant (also known as c.2530C>A), located in coding exon 17 of the CTNNA1 gene, results from a C to A substitution at nucleotide position 2530. The glutamine at codon 844 is replaced by lysine, an amino acid with similar properties. This amino acid position is conserved. In addition, this alteration is predicted to be tolerated by in silico analysis. Since supporting evidence is limited at this time, the clinical significance of this alteration remains unclear.

NM_001903.5(CTNNA1):c.2530C>A (p.Gln844Lys)

Gene: CTNNA1 (catenin alpha 1; plus strand). Cytogenetic location: 5q31.2.
Variant type: single nucleotide variant.
Coding change: c.2530C>A on transcript NM_001903.5 (MANE Select); coding-DNA position 2530, C replaced by A.
Protein change: p.Gln844Lys; replaces glutamine 844 with lysine.
Molecular consequence: missense variant. On other transcripts: 3 prime UTR variant (5).
Genome position (GRCh38, 1-based): chr5:138,933,898, C>A. VCF-style: chr5-138933898-C-A. GRCh37 (hg19) VCF-style: chr5-138269587-C-A.
Other names: c.*75C>A (NM_001290307.3, NM_001324002.1, NM_001324003.1 and 2 more transcripts); c.2221C>A, p.Gln741Lys (NM_001290309.3); c.2161C>A, p.Gln721Lys (NM_001290310.3); c.1420C>A, p.Gln474Lys (NM_001290312.1, NM_001323987.1, NM_001323988.1 and 12 more transcripts); c.2530C>A, p.Gln844Lys (NM_001323982.2, NM_001323983.1, NM_001323984.2); c.2503C>A, p.Gln835Lys (NM_001323985.2); c.2437C>A, p.Gln813Lys (NM_001323986.2); c.1081C>A, p.Gln361Lys (NM_001324006.1, NM_001324007.1, NM_001324008.1 and 2 more transcripts); and 3 more; short protein forms Q361K, Q721K, Q741K, Q835K, Q443K, Q474K, Q813K, Q844K.
Identifiers: ClinVar variation 2448328 (VCV002448328.2), dbSNP rs2533950591, ClinGen allele CA361135358.